The following is an entry in ClinVar:

NM_001348323.3(TRIP12):c.5259G>A (p.Ala1753=)

Gene: TRIP12 (thyroid hormone receptor interactor 12; minus strand). Cytogenetic location: 2q36.3.
Variant type: single nucleotide variant.
Coding change: c.5259G>A on transcript NM_001348323.3 (MANE Select); coding-DNA position 5259, G replaced by A.
Protein change: p.Ala1753=; no amino-acid change (alanine 1753 retained).
Molecular consequence: synonymous variant.
Genome position (GRCh38, 1-based): chr2:229,778,538, C>T on the plus strand (G>A on the coding strand, the complement: TRIP12 is on the minus strand). VCF-style: chr2-229778538-C-T. GRCh37 (hg19) VCF-style: chr2-230643254-C-T.
Other names: c.5118G>A, p.Ala1706= (NM_001348318.2, NM_001348317.1); c.5244G>A, p.Ala1748= (NM_001348319.1, NM_001348320.2); c.5247G>A, p.Ala1749= (NM_001348321.1); c.5259G>A, p.Ala1753= (NM_001348322.1, NM_001348324.2, NM_001348325.2 and 2 more transcripts); c.5262G>A, p.Ala1754= (NM_001348328.1, NM_001348329.2, NM_001348330.2); c.5037G>A, p.Ala1679= (NM_001348331.1); c.5157G>A, p.Ala1719= (NM_001348332.1); c.5181G>A, p.Ala1727= (NM_001348333.1); and 4 more.
Identifiers: ClinVar variation 4960388 (VCV004960388.2).

ClinVar aggregate classification (germline): Likely benign. Review status: criteria provided, multiple submitters, no conflicts (2 of 4 stars). 2 submissions from 2 submitters: Likely benign (2). Last evaluated 2026-08-01.

gnomAD v4.1: 82 of 1,613,902 alleles (0.0051%); highest among the groups gnomAD compares: Admixed American, 0.017%; no homozygotes.

Submissions (2):

CeGaT Center for Human Genetics Tuebingen
Classification: Likely benign. Last evaluated: 2026-08-01. Review status: criteria provided, single submitter. Criteria: CeGaT Center For Human Genetics Tuebingen Variant Classification Criteria Version 2. Collection method: clinical testing. Allele origin: germline. Affected: yes. Observed: 1 variant allele.
Comment: TRIP12: BP4, BP7

Blueprint Genetics
Classification: Likely benign. Last evaluated: 2024-01-08. Review status: criteria provided, single submitter. Criteria: ACMG Guidelines, 2015. Collection method: clinical testing. Allele origin: germline.